The following is an entry in ClinVar:

NM_021096.4(CACNA1I):c.6566C>G (p.Pro2189Arg)

Gene: CACNA1I (calcium voltage-gated channel subunit alpha1 I; plus strand). Cytogenetic location: 22q13.1.
Variant type: single nucleotide variant.
Coding change: c.6566C>G on transcript NM_021096.4 (MANE Select); coding-DNA position 6566, C replaced by G.
Protein change: p.Pro2189Arg; replaces proline 2189 with arginine.
Molecular consequence: missense variant.
Genome position (GRCh38, 1-based): chr22:39,686,299, C>G. VCF-style: chr22-39686299-C-G. GRCh37 (hg19) VCF-style: chr22-40082304-C-G.
Other names: c.6461C>G, p.Pro2154Arg (NM_001003406.2); short protein forms P2154R, P2189R.
Identifiers: ClinVar variation 4875159 (VCV004875159.2).

ClinVar aggregate classification (germline): Uncertain significance (1 of 4 stars; one submission).

Submission:

CeGaT Center for Human Genetics Tuebingen
Classification: Uncertain significance. Last evaluated: 2026-06-01. Review status: criteria provided, single submitter. Criteria: CeGaT Center For Human Genetics Tuebingen Variant Classification Criteria Version 2. Collection method: clinical testing. Allele origin: germline. Affected: yes. Observed: 1 variant allele.
Comment: CACNA1I: PM2, PP3